The following is an entry in ClinVar:

ClinVar aggregate classification (germline): Uncertain significance. Review status: criteria provided, multiple submitters, no conflicts (2 of 4 stars). 2 submissions from 2 submitters: Uncertain significance (2). Last evaluated 2025-04-07.

Conditions:
BDP1-related disorder. Also called: BDP1-related condition.

Allele frequency attached by ClinVar (database versions not stated): gnomAD exomes 0.00004; TOPMed 0.00004; ExAC 0.00008.
gnomAD v4.1: 21 of 1,614,078 alleles (0.0013%); highest among the groups gnomAD compares: Admixed American, 0.035%; no homozygotes.

Submissions (2):

Ambry Genetics
Classification: Uncertain significance. Last evaluated: 2025-04-07. Review status: criteria provided, single submitter. Criteria: Ambry Variant Classification Scheme 2023. Collection method: clinical testing. Allele origin: germline.

PreventionGenetics, part of Exact Sciences
Classification: Uncertain significance for BDP1-related condition. Last evaluated: 2025-01-08. Review status: criteria provided, single submitter. Criteria: ACMG Guidelines, 2015. Collection method: clinical testing. Allele origin: germline.
Comment: The BDP1 c.3919G>A variant is predicted to result in the amino acid substitution p.Glu1307Lys. To our knowledge, this variant has not been reported in the literature. This variant is reported in 0.061% of alleles in individuals of Latino descent in gnomAD. Although we suspect that this variant may be benign, at this time, the clinical significance of this variant is uncertain due to the absence of conclusive functional and genetic evidence.

NM_018429.3(BDP1):c.3919G>A (p.Glu1307Lys)

Gene: BDP1 (BDP1 general transcription factor IIIB subunit; plus strand). Cytogenetic location: 5q13.2.
Variant type: single nucleotide variant.
Coding change: c.3919G>A on transcript NM_018429.3 (MANE Select); coding-DNA position 3919, G replaced by A.
Protein change: p.Glu1307Lys; replaces glutamic acid 1307 with lysine.
Molecular consequence: missense variant.
Genome position (GRCh38, 1-based): chr5:71,511,011, G>A. VCF-style: chr5-71511011-G-A. GRCh37 (hg19) VCF-style: chr5-70806838-G-A.
Other names: short protein forms E1307K.
Identifiers: ClinVar variation 2348164 (VCV002348164.4), dbSNP rs753928846, ClinGen allele CA3296551.